The following is an entry in ClinVar:

NM_007254.4(PNKP):c.610C>G (p.Arg204Gly)

Gene: PNKP (polynucleotide kinase 3'-phosphatase; minus strand). Cytogenetic location: 19q13.33.
Variant type: single nucleotide variant.
Coding change: c.610C>G on transcript NM_007254.4 (MANE Select); coding-DNA position 610, C replaced by G.
Protein change: p.Arg204Gly; replaces arginine 204 with glycine.
Molecular consequence: missense variant.
Genome position (GRCh38, 1-based): chr19:49,864,205, G>C on the plus strand (C>G on the coding strand, the complement: PNKP is on the minus strand). VCF-style: chr19-49864205-G-C. GRCh37 (hg19) VCF-style: chr19-50367462-G-C.
Other names: short protein forms R204G.
Identifiers: ClinVar variation 1899878 (VCV001899878.5), dbSNP rs796052850, ClinGen allele CA406886705.

ClinVar aggregate classification (germline): Uncertain significance (1 of 4 stars; one submission).

Conditions:
Developmental and epileptic encephalopathy, 12 (DEE12). Identifiers: MedGen C3150988, MONDO:0013389, OMIM 613722.

gnomAD v4.1: 1 of 1,614,146 alleles (0.000062%); highest among the groups gnomAD compares: Non-Finnish European, 0.000085%; no homozygotes.

Submission:

Labcorp Genetics (formerly Invitae), Labcorp
Classification: Uncertain significance for Developmental and epileptic encephalopathy, 12. Last evaluated: 2022-04-19. Review status: criteria provided, single submitter. Criteria: Invitae Variant Classification Sherloc (09022015). Collection method: clinical testing. Allele origin: germline.
Comment: In summary, the available evidence is currently insufficient to determine the role of this variant in disease. Therefore, it has been classified as a Variant of Uncertain Significance. This sequence change replaces arginine, which is basic and polar, with glycine, which is neutral and non-polar, at codon 204 of the PNKP protein (p.Arg204Gly). This variant is not present in population databases (gnomAD no frequency). This variant has not been reported in the literature in individuals affected with PNKP-related conditions. Algorithms developed to predict the effect of missense changes on protein structure and function are either unavailable or do not agree on the potential impact of this missense change (SIFT: "Deleterious"; PolyPhen-2: "Benign"; Align-GVGD: "Class C0").